The following is an entry in ClinVar:

ClinVar aggregate classification (germline): Uncertain significance (1 of 4 stars; one submission).

Allele frequency attached by ClinVar (database versions not stated): ExAC 0.00012; ESP Exome Variant Server 0.00023.
gnomAD v4.1: 108 of 1,613,374 alleles (0.0067%); highest among the groups gnomAD compares: Middle Eastern, 0.066%; no homozygotes.

Submission:

Labcorp Genetics (formerly Invitae), Labcorp
Classification: Uncertain significance. Last evaluated: 2022-11-02. Review status: criteria provided, single submitter. Criteria: Invitae Variant Classification Sherloc (09022015). Collection method: clinical testing. Allele origin: germline.
Comment: In summary, the available evidence is currently insufficient to determine the role of this variant in disease. Therefore, it has been classified as a Variant of Uncertain Significance. Algorithms developed to predict the effect of missense changes on protein structure and function are either unavailable or do not agree on the potential impact of this missense change (SIFT: "Deleterious"; PolyPhen-2: "Possibly Damaging"; Align-GVGD: "Class C0"). This variant has not been reported in the literature in individuals affected with KRT83-related conditions. This variant is present in population databases (rs146287955, gnomAD 0.02%). This sequence change replaces proline, which is neutral and non-polar, with serine, which is neutral and polar, at codon 25 of the KRT83 protein (p.Pro25Ser).

NM_002282.3(KRT83):c.73C>T (p.Pro25Ser)

Gene: KRT83 (keratin 83; minus strand). Cytogenetic location: 12q13.13.
Variant type: single nucleotide variant.
Coding change: c.73C>T on transcript NM_002282.3 (MANE Select); coding-DNA position 73, C replaced by T.
Protein change: p.Pro25Ser; replaces proline 25 with serine.
Molecular consequence: missense variant.
Genome position (GRCh38, 1-based): chr12:52,321,263, G>A on the plus strand (C>T on the coding strand, the complement: KRT83 is on the minus strand). VCF-style: chr12-52321263-G-A. GRCh37 (hg19) VCF-style: chr12-52715047-G-A.
Other names: short protein forms P25S.
Identifiers: ClinVar variation 2708087 (VCV002708087.3), dbSNP rs146287955, ClinGen allele CA6577841.